The following is an entry in ClinVar:

NM_000069.3(CACNA1S):c.3976C>A (p.Gln1326Lys)

Gene: CACNA1S (calcium voltage-gated channel subunit alpha1 S; minus strand). Cytogenetic location: 1q32.1.
Variant type: single nucleotide variant.
Coding change: c.3976C>A on transcript NM_000069.3 (MANE Select); coding-DNA position 3976, C replaced by A.
Protein change: p.Gln1326Lys; replaces glutamine 1326 with lysine.
Molecular consequence: missense variant.
Genome position (GRCh38, 1-based): chr1:201,051,121, G>T on the plus strand (C>A on the coding strand, the complement: CACNA1S is on the minus strand). VCF-style: chr1-201051121-G-T. GRCh37 (hg19) VCF-style: chr1-201020249-G-T.
Other names: short protein forms Q1326K.
Identifiers: ClinVar variation 3071813 (VCV003071813.1), dbSNP rs2464447570, ClinGen allele CA344150885.
Genomic context (GRCh38, chr1:201,051,121, plus strand): 5'-GGGCATAGTCCGACTCTGGGTCACACAGCTTCCCATAGCTGCAGGCCAGTAGGATCTCCT[G>T]CCAGGCCTCACCTGTTGCACACCTAGAGGACAGAAGAGGCTCCTGTCACCTATCTGCTCC-3'
Protein context (NP_000060.2, residues 1316-1336): LFRCATGEAW[Gln1326Lys]EILLACSYGK

ClinVar aggregate classification (germline): Uncertain significance (1 of 4 stars; one submission).

Conditions:
Malignant hyperthermia, susceptibility to, 5 (MHS5). Also called: CACNA1S-Related Malignant Hyperthermia Susceptibility. Identifiers: Orphanet 423, MedGen C1866077, MONDO:0011163, OMIM 601887.

Submission:

All of Us Research Program, National Institutes of Health
Classification: Uncertain significance for Malignant hyperthermia, susceptibility to, 5. Last evaluated: 2023-06-26. Review status: criteria provided, single submitter. Criteria: ACMG Guidelines, 2015. Collection method: clinical testing. Allele origin: germline. Inheritance: Autosomal dominant inheritance. Observed: 1 variant allele, 1 heterozygote.
Comment: This missense variant replaces glutamine with lysine at codon 1326 of the CACNA1S protein. Computational prediction suggests that this variant may have deleterious impact on protein structure and function (internally defined REVEL score threshold >= 0.7, PMID: 27666373). To our knowledge, functional studies have not been reported for this variant. This variant has not been reported in individuals affected with CACNA1S-related disorders in the literature. This variant has not been identified in the general population by the Genome Aggregation Database (gnomAD). The available evidence is insufficient to determine the role of this variant in disease conclusively. Therefore, this variant is classified as a Variant of Uncertain Significance.

This study involves interpretation of variants in research participants for the purpose of population health screening. Participant phenotype was not available at the time of variant classification. Additional details can be found in publication PMID: 35346344, PMCID: PMC8962531